The following is an entry in ClinVar:

NM_007194.4(CHEK2):c.909-16del

Gene: CHEK2 (checkpoint kinase 2; minus strand). Cytogenetic location: 22q12.1.
Variant type: Deletion.
Coding change: c.909-16del on transcript NM_007194.4 (MANE Select); 16 bases into the intron before coding-DNA position 909, one base deleted (T; older notation c.909-16delT).
Molecular consequence: intron variant.
Genome position (GRCh38, 1-based): chr22:28,699,953, A deleted on the plus strand (T on the coding strand, the reverse complement: CHEK2 is on the minus strand); the first of 2 consecutive A bases (chr22:28,699,953-28,699,954); deleting either gives the same sequence. VCF-style (leftmost placement, unchanged base first): chr22-28699952-CA-C. GRCh37 (hg19) VCF-style: chr22-29095940-CA-C.
Other names: c.246-16del (NM_001437942.1, NM_001257387.3); c.708-16del (NM_001349956.3); c.909-16del (NM_145862.3); c.1002-16del (NM_001438295.1, NM_001438293.1); c.1038-16del (NM_001438294.1, NM_001005735.3).
Identifiers: ClinVar variation 3773198 (VCV003773198.1).

ClinVar aggregate classification (germline): Likely benign (1 of 4 stars; one submission).

Conditions:
Familial cancer of breast. Also called: Hereditary breast cancer; BREAST CANCER, FAMILIAL; hereditary breast carcinoma. Identifiers: Orphanet 227535, MedGen C0346153, MONDO:0016419, OMIM 114480. Disease mechanism: loss of function.

Submission:

Myriad Genetics, Inc.
Classification: Likely benign for Familial cancer of breast. Last evaluated: 2024-10-03. Review status: criteria provided, single submitter. Criteria: Myriad Autosomal Dominant, Autosomal Recessive and X-Linked Classification Criteria (2023). Collection method: clinical testing. Allele origin: unknown.
Comment: This variant is considered likely benign. This variant is intronic and is not expected to impact mRNA splicing.